The following is an entry in ClinVar:

ClinVar aggregate classification (germline): Pathogenic (1 of 4 stars; one submission).

Submission:

Labcorp Genetics (formerly Invitae), Labcorp
Classification: Pathogenic. Last evaluated: 2025-02-19. Review status: criteria provided, single submitter. Criteria: Invitae Variant Classification Sherloc (09022015). Collection method: clinical testing. Allele origin: germline.
Comment: This sequence change creates a premature translational stop signal (p.Ser730Ilefs*2) in the NEXMIF gene. It is expected to result in an absent or disrupted protein product. Loss-of-function variants in NEXMIF are known to be pathogenic (PMID: 23615299). This variant is not present in population databases (gnomAD no frequency). This variant has not been reported in the literature in individuals affected with NEXMIF-related conditions. For these reasons, this variant has been classified as Pathogenic.

Literature cited by the submitters: PubMed 23615299.

NM_001008537.3(NEXMIF):c.2187dup (p.Ser730fs)

Gene: NEXMIF (neurite extension and migration factor; minus strand). Cytogenetic location: Xq13.3.
Variant type: Duplication.
Coding change: c.2187dup on transcript NM_001008537.3 (MANE Select); coding-DNA position 2187, one base duplicated (A; older notation c.2187dupA).
Protein change: p.Ser730fs; shifts the reading frame from serine 730.
Molecular consequence: frameshift variant.
Genome position (GRCh38, 1-based): chrX:74,742,370, T duplicated on the plus strand (A on the coding strand, the reverse complement: NEXMIF is on the minus strand); the first of 4 consecutive T bases (chrX:74,742,370-74,742,373); duplicating any one gives the same sequence. VCF-style (leftmost placement, unchanged base first): chrX-74742369-A-AT. GRCh37 (hg19) VCF-style: chrX-73962204-A-AT.
Other names: short protein forms S730fs.
Identifiers: ClinVar variation 4713473 (VCV004713473.1).